The following is an entry in ClinVar:

ClinVar aggregate classification (germline): Likely benign (1 of 4 stars; one submission).

gnomAD v4.1: 5 of 1,613,980 alleles (0.00031%); highest among the groups gnomAD compares: African/African-American, 0.004%; no homozygotes.

Submission:

CeGaT Center for Human Genetics Tuebingen
Classification: Likely benign. Last evaluated: 2025-10-01. Review status: criteria provided, single submitter. Criteria: CeGaT Center For Human Genetics Tuebingen Variant Classification Criteria Version 2. Collection method: clinical testing. Allele origin: germline. Affected: yes. Observed: 1 variant allele.
Comment: ERCC6: BP4, BP7

NM_000124.4(ERCC6):c.3675G>A (p.Leu1225=)

Gene: ERCC6 (ERCC excision repair 6, chromatin remodeling factor; minus strand). Cytogenetic location: 10q11.23.
Variant type: single nucleotide variant.
Coding change: c.3675G>A on transcript NM_000124.4 (MANE Select); coding-DNA position 3675, G replaced by A.
Protein change: p.Leu1225=; no amino-acid change (leucine 1225 retained).
Molecular consequence: synonymous variant.
Genome position (GRCh38, 1-based): chr10:49,470,285, C>T on the plus strand (G>A on the coding strand, the complement: ERCC6 is on the minus strand). VCF-style: chr10-49470285-C-T. GRCh37 (hg19) VCF-style: chr10-50678331-C-T.
Other names: c.3675G>A, p.Leu1225= (NM_001346440.2).
Identifiers: ClinVar variation 4535073 (VCV004535073.6).